The following is an entry in ClinVar:

ClinVar aggregate classification (germline): Uncertain significance (1 of 4 stars; one submission).

Allele frequency attached by ClinVar (database versions not stated): gnomAD 0.00001; ExAC 0.00003; 1000 Genomes Project 30x 0.00016; 1000 Genomes Project 0.00020.

Submission:

Ambry Genetics
Classification: Uncertain significance. Last evaluated: 2024-03-09. Review status: criteria provided, single submitter. Criteria: Ambry Variant Classification Scheme 2023. Collection method: clinical testing. Allele origin: germline.
Comment: The p.P1125R variant (also known as c.3374C>G), located in coding exon 17 of the NPAT gene, results from a C to G substitution at nucleotide position 3374. The proline at codon 1125 is replaced by arginine, an amino acid with dissimilar properties. This amino acid position is conserved. In addition, this alteration is predicted to be tolerated by in silico analysis. Based on the available evidence, the clinical significance of this alteration remains unclear.

NM_002519.3(NPAT):c.3374C>G (p.Pro1125Arg)

Gene: NPAT (nuclear protein, coactivator of histone transcription; minus strand). Cytogenetic location: 11q22.3.
Variant type: single nucleotide variant.
Coding change: c.3374C>G on transcript NM_002519.3 (MANE Select); coding-DNA position 3374, C replaced by G.
Protein change: p.Pro1125Arg; replaces proline 1125 with arginine.
Molecular consequence: missense variant.
Genome position (GRCh38, 1-based): chr11:108,161,712, G>C on the plus strand (C>G on the coding strand, the complement: NPAT is on the minus strand). VCF-style: chr11-108161712-G-C. GRCh37 (hg19) VCF-style: chr11-108032439-G-C.
Other names: c.3395C>G, p.Pro1132Arg (NM_001321307.1); short protein forms P1125R, P1132R.
Identifiers: ClinVar variation 3222590 (VCV003222590.1), dbSNP rs536133138, ClinGen allele CA6263592.